The following is an entry in ClinVar:

NM_002691.4(POLD1):c.3254T>C (p.Val1085Ala)

Gene: POLD1 (DNA polymerase delta 1, catalytic subunit; plus strand). Cytogenetic location: 19q13.33.
Variant type: single nucleotide variant.
Coding change: c.3254T>C on transcript NM_002691.4 (MANE Select); coding-DNA position 3254, T replaced by C.
Protein change: p.Val1085Ala; replaces valine 1085 with alanine.
Molecular consequence: missense variant. On other transcripts: non-coding transcript variant (1).
Genome position (GRCh38, 1-based): chr19:50,417,877, T>C. VCF-style: chr19-50417877-T-C. GRCh37 (hg19) VCF-style: chr19-50921134-T-C.
Other names: c.3254T>C, p.Val1085Ala (NM_001256849.1); c.3332T>C, p.Val1111Ala (NM_001308632.1); short protein forms V1085A, V1111A.
Identifiers: ClinVar variation 1720018 (VCV001720018.5), dbSNP rs2514087487, ClinGen allele CA406987776.

ClinVar aggregate classification (germline): Uncertain significance (1 of 4 stars; one submission).

Conditions:
POLD1-related polyposis and colorectal cancer syndrome (CRCS10). Also called: COLORECTAL CANCER, SUSCEPTIBILITY TO, ON CHROMOSOME 19q; Colorectal cancer 10; Colorectal cancer, susceptibility to, 10. Identifiers: Orphanet 220460, MedGen C2675481, MONDO:0012953, OMIM 612591.

Allele frequency attached by ClinVar (database versions not stated): gnomAD exomes below 0.00001.
gnomAD v4.1: 1 of 1,610,268 alleles (0.000062%); highest among the groups gnomAD compares: Non-Finnish European, 0.000085%; no homozygotes.

Submission:

Labcorp Genetics (formerly Invitae), Labcorp
Classification: Uncertain significance for POLD1-related polyposis and colorectal cancer syndrome. Last evaluated: 2022-09-22. Review status: criteria provided, single submitter. Criteria: Invitae Variant Classification Sherloc (09022015). Collection method: clinical testing. Allele origin: germline.
Comment: This sequence change replaces valine, which is neutral and non-polar, with alanine, which is neutral and non-polar, at codon 1085 of the POLD1 protein (p.Val1085Ala). This variant is not present in population databases (gnomAD no frequency). This variant has not been reported in the literature in individuals affected with POLD1-related conditions. Advanced modeling of protein sequence and biophysical properties (such as structural, functional, and spatial information, amino acid conservation, physicochemical variation, residue mobility, and thermodynamic stability) performed at Invitae indicates that this missense variant is not expected to disrupt POLD1 protein function. In summary, the available evidence is currently insufficient to determine the role of this variant in disease. Therefore, it has been classified as a Variant of Uncertain Significance.